The following is an entry in ClinVar:

NM_000089.4(COL1A2):c.305C>G (p.Pro102Arg)

Gene: COL1A2 (collagen type I alpha 2 chain; plus strand). Cytogenetic location: 7q21.3.
Variant type: single nucleotide variant.
Coding change: c.305C>G on transcript NM_000089.4 (MANE Select); coding-DNA position 305, C replaced by G.
Protein change: p.Pro102Arg; replaces proline 102 with arginine.
Molecular consequence: missense variant.
Genome position (GRCh38, 1-based): chr7:94,404,581, C>G. VCF-style: chr7-94404581-C-G. GRCh37 (hg19) VCF-style: chr7-94033893-C-G.
Other names: short protein forms P102R.
Identifiers: ClinVar variation 1517061 (VCV001517061.6), dbSNP rs780850548, ClinGen allele CA4346619.

ClinVar aggregate classification (germline): Uncertain significance (1 of 4 stars; one submission).

Conditions:
Ehlers-Danlos syndrome, classic type, 1 (EDSCL1). Also called: EHLERS-DANLOS SYNDROME, GRAVIS TYPE; EHLERS-DANLOS SYNDROME, SEVERE CLASSIC TYPE; Ehlers-Danlos syndrome, type 1; Ehlers-Danlos Syndrome, Classic Type, COL5A1-Related; EDS I. Identifiers: MedGen C0268335, MONDO:0019567, OMIM 130000.
Osteogenesis imperfecta type I (OI1). Also called: OI, TYPE I; OSTEOGENESIS IMPERFECTA TARDA; OSTEOGENESIS IMPERFECTA WITH BLUE SCLERAE; Osteogenesis imperfecta type 1; Lobstein's Disease; Lobstein disease. Identifiers: Orphanet 216796, Orphanet 666, MedGen C0023931, MONDO:0008146, OMIM 166200. Disease mechanism: loss of function.

Allele frequency attached by ClinVar (database versions not stated): gnomAD exomes below 0.00001; ExAC 0.00001.
gnomAD v4.1: 2 of 1,613,786 alleles (0.00012%); highest among the groups gnomAD compares: Non-Finnish European, 0.00017%; no homozygotes.

Submission:

Labcorp Genetics (formerly Invitae), Labcorp
Classification: Uncertain significance for Osteogenesis imperfecta type I; Ehlers-Danlos syndrome, classic type, 1. Last evaluated: 2021-10-25. Review status: criteria provided, single submitter. Criteria: Invitae Variant Classification Sherloc (09022015). Collection method: clinical testing. Allele origin: germline.
Comment: Advanced modeling of protein sequence and biophysical properties (such as structural, functional, and spatial information, amino acid conservation, physicochemical variation, residue mobility, and thermodynamic stability) performed at Invitae indicates that this missense variant is not expected to disrupt COL1A2 protein function. This sequence change replaces proline with arginine at codon 102 of the COL1A2 protein (p.Pro102Arg). The proline residue is highly conserved and there is a moderate physicochemical difference between proline and arginine. This variant is present in population databases (rs780850548, ExAC 0.001%). This missense change has been observed in individual(s) with Ehlers-Danlos syndrome (Invitae). In summary, the available evidence is currently insufficient to determine the role of this variant in disease. Therefore, it has been classified as a Variant of Uncertain Significance.